The following is an entry in ClinVar:

ClinVar aggregate classification (germline): Uncertain significance (1 of 4 stars; one submission).

Conditions:
RYR1-related disorder. Also called: RYR1-related condition; RYR1-related disorders. Identifiers: MedGen CN239331.

Submission:

Labcorp Genetics (formerly Invitae), Labcorp
Classification: Uncertain significance for RYR1-related disorder. Last evaluated: 2025-01-06. Review status: criteria provided, single submitter. Criteria: Invitae Variant Classification Sherloc (09022015). Collection method: clinical testing. Allele origin: germline.
Comment: This sequence change replaces glutamic acid, which is acidic and polar, with lysine, which is basic and polar, at codon 4428 of the RYR1 protein (p.Glu4428Lys). This variant is not present in population databases (gnomAD no frequency). This variant has not been reported in the literature in individuals affected with RYR1-related conditions. ClinVar contains an entry for this variant (Variation ID: 1474252). Invitae Evidence Modeling of protein sequence and biophysical properties (such as structural, functional, and spatial information, amino acid conservation, physicochemical variation, residue mobility, and thermodynamic stability) indicates that this missense variant is not expected to disrupt RYR1 protein function with a negative predictive value of 80%. In summary, the available evidence is currently insufficient to determine the role of this variant in disease. Therefore, it has been classified as a Variant of Uncertain Significance.

NM_000540.3(RYR1):c.13282G>A (p.Glu4428Lys)

Genes: RYR1 (ryanodine receptor 1; plus strand), LOC130064357 (ATAC-STARR-seq lymphoblastoid silent region 10577; plus strand). Cytogenetic location: 19q13.2.
Variant type: single nucleotide variant.
Coding change: c.13282G>A on transcript NM_000540.3 (MANE Select); coding-DNA position 13282, G replaced by A.
Protein change: p.Glu4428Lys; replaces glutamic acid 4428 with lysine.
Molecular consequence: missense variant.
Genome position (GRCh38, 1-based): chr19:38,565,616, G>A. VCF-style: chr19-38565616-G-A. GRCh37 (hg19) VCF-style: chr19-39056256-G-A.
Other names: c.13267G>A, p.Glu4423Lys (NM_001042723.2); short protein forms E4423K, E4428K.
Identifiers: ClinVar variation 1474252 (VCV001474252.8), dbSNP rs2145847025, ClinGen allele CA405674760.